The following is an entry in ClinVar:

NM_000553.6(WRN):c.2537A>C (p.Glu846Ala)

Gene: WRN (WRN RecQ like helicase; plus strand). Cytogenetic location: 8p12.
Variant type: single nucleotide variant.
Coding change: c.2537A>C on transcript NM_000553.6 (MANE Select); coding-DNA position 2537, A replaced by C.
Protein change: p.Glu846Ala; replaces glutamic acid 846 with alanine.
Molecular consequence: missense variant.
Genome position (GRCh38, 1-based): chr8:31,120,331, A>C. VCF-style: chr8-31120331-A-C. GRCh37 (hg19) VCF-style: chr8-30977847-A-C.
Other names: short protein forms E846A.
Identifiers: ClinVar variation 2795931 (VCV002795931.3), dbSNP rs886062890, ClinGen allele CA370915481.

ClinVar aggregate classification (germline): Uncertain significance. Review status: criteria provided, multiple submitters, no conflicts (2 of 4 stars). 2 submissions from 2 submitters: Uncertain significance (2). Last evaluated 2023-06-23.

Conditions:
Werner syndrome (WRN). Identifiers: Orphanet 902, MedGen C0043119, MONDO:0010196, OMIM 277700.

Submissions (2):

Labcorp Genetics (formerly Invitae), Labcorp
Classification: Uncertain significance for Werner syndrome. Last evaluated: 2023-06-23. Review status: criteria provided, single submitter. Criteria: Invitae Variant Classification Sherloc (09022015). Collection method: clinical testing. Allele origin: germline.
Comment: This variant is not present in population databases (gnomAD no frequency). This variant has not been reported in the literature in individuals affected with WRN-related conditions. An algorithm developed to predict the effect of missense changes on protein structure and function (PolyPhen-2) suggests that this variant is likely to be disruptive. In summary, the available evidence is currently insufficient to determine the role of this variant in disease. Therefore, it has been classified as a Variant of Uncertain Significance. This sequence change replaces glutamic acid, which is acidic and polar, with alanine, which is neutral and non-polar, at codon 846 of the WRN protein (p.Glu846Ala).

Juno Genomics, Hangzhou Juno Genomics, Inc
Classification: Uncertain significance for Werner syndrome. Review status: criteria provided, single submitter. Criteria: ACMG Guidelines, 2015. Collection method: clinical testing. Allele origin: germline.
Comment: Absent from controls (or at extremely low frequency if recessive) in Genome Aggregation Database.;Multiple lines of computational evidence support a deleterious effect on the gene or gene product.